The following is an entry in ClinVar:

NM_005591.4(MRE11):c.1531A>G (p.Asn511Asp)

Gene: MRE11 (MRE11 double strand break repair nuclease; minus strand). Cytogenetic location: 11q21.
Variant type: single nucleotide variant.
Coding change: c.1531A>G on transcript NM_005591.4 (MANE Select); coding-DNA position 1531, A replaced by G.
Protein change: p.Asn511Asp; replaces asparagine 511 with aspartic acid.
Molecular consequence: missense variant.
Genome position (GRCh38, 1-based): chr11:94,456,308, T>C on the plus strand (A>G on the coding strand, the complement: MRE11 is on the minus strand). VCF-style: chr11-94456308-T-C. GRCh37 (hg19) VCF-style: chr11-94189474-T-C.
Other names: c.1531A>G, p.Asn511Asp (NM_001330347.2, NM_005590.4); short protein forms N511D.
Identifiers: ClinVar variation 2447000 (VCV002447000.2), dbSNP rs2496360993, ClinGen allele CA382370768.

ClinVar aggregate classification (germline): Uncertain significance (1 of 4 stars; one submission).

Conditions:
Hereditary cancer-predisposing syndrome. Also called: Neoplastic Syndromes, Hereditary; Hereditary Cancer Syndrome; Tumor predisposition; Hereditary neoplastic syndrome. Identifiers: Orphanet 140162, MedGen C0027672, MeSH D009386, MONDO:0015356.

Submission:

Ambry Genetics
Classification: Uncertain significance for Hereditary cancer-predisposing syndrome. Last evaluated: 2023-01-26. Review status: criteria provided, single submitter. Criteria: Ambry Variant Classification Scheme 2023. Collection method: clinical testing. Allele origin: germline.
Comment: The p.N511D variant (also known as c.1531A>G), located in coding exon 13 of the MRE11A gene, results from an A to G substitution at nucleotide position 1531. The asparagine at codon 511 is replaced by aspartic acid, an amino acid with highly similar properties. This amino acid position is conserved. In addition, the in silico prediction for this alteration is inconclusive. Since supporting evidence is limited at this time, the clinical significance of this alteration remains unclear.